The following is an entry in ClinVar:

NM_018341.3(ERMARD):c.1060-12A>G

Gene: ERMARD (ER membrane associated RNA degradation; plus strand). Cytogenetic location: 6q27.
Variant type: single nucleotide variant.
Coding change: c.1060-12A>G on transcript NM_018341.3 (MANE Select); 12 bases into the intron before coding-DNA position 1060, A replaced by G.
Molecular consequence: intron variant.
Genome position (GRCh38, 1-based): chr6:169,769,528, A>G. VCF-style: chr6-169769528-A-G. GRCh37 (hg19) VCF-style: chr6-170169624-A-G.
Other names: c.1060-12A>G (NM_001278531.2, NM_001278533.2); c.682-12A>G (NM_001278532.2).
Identifiers: ClinVar variation 384623 (VCV000384623.10), dbSNP rs111551747, ClinGen allele CA4106121.
Genomic context (GRCh38, chr6:169,769,528, plus strand): 5'-ATTCAGCAACACCAGGCACGTCTCTCTGCTGCGGATACTAACAAAATATTTTCTCTGTTT[A>G]ATTTCTGAAAGGAATTTCTCTGGGATTTCCTGAACCATCAGGAGGGTCCCCGCATAAGAG-3'

ClinVar aggregate classification (germline): Benign/Likely benign. Review status: criteria provided, multiple submitters, no conflicts (2 of 4 stars). 3 submissions from 3 submitters: Benign (2); Likely benign (1). Last evaluated 2026-01-19.

Conditions:
Periventricular nodular heterotopia 6 (PVNH6). Identifiers: Orphanet 2149, MedGen C3809872, MONDO:0014240, OMIM 615544.

Allele frequency attached by ClinVar (database versions not stated): gnomAD exomes 0.00171 and 0.00468; ExAC 0.00748; 1000 Genomes Project 0.01538; 1000 Genomes Project 30x 0.01686; gnomAD 0.01757 and 0.01905; TOPMed 0.02000; ESP Exome Variant Server 0.02138.
gnomAD v4.1: 5,285 of 1,593,906 alleles (0.33%); highest among the groups gnomAD compares: African/African-American, 6.1%; 167 homozygotes.

Submissions (3):

Labcorp Genetics (formerly Invitae), Labcorp
Classification: Benign. Last evaluated: 2026-01-19. Review status: criteria provided, single submitter. Criteria: Invitae Variant Classification Sherloc (09022015). Collection method: clinical testing. Allele origin: germline.

Fulgent Genetics
Classification: Likely benign for Periventricular nodular heterotopia 6. Last evaluated: 2021-08-06. Review status: criteria provided, single submitter. Criteria: ACMG Guidelines, 2015. Collection method: clinical testing. Allele origin: unknown.

GeneDx
Classification: Benign. Last evaluated: 2016-06-16. Review status: criteria provided, single submitter. Criteria: GeneDx Variant Classification (06012015). Collection method: clinical testing. Allele origin: germline. Affected: yes.
Comment: This variant is considered likely benign or benign based on one or more of the following criteria: it is a conservative change, it occurs at a poorly conserved position in the protein, it is predicted to be benign by multiple in silico algorithms, and/or has population frequency not consistent with disease.